The following is an entry in ClinVar:

NM_002500.5(NEUROD1):c.554C>T (p.Ala185Val)

Gene: NEUROD1 (neuronal differentiation 1; minus strand). Cytogenetic location: 2q31.3.
Variant type: single nucleotide variant.
Coding change: c.554C>T on transcript NM_002500.5 (MANE Select); coding-DNA position 554, C replaced by T.
Protein change: p.Ala185Val; replaces alanine 185 with valine.
Molecular consequence: missense variant.
Genome position (GRCh38, 1-based): chr2:181,678,307, G>A on the plus strand (C>T on the coding strand, the complement: NEUROD1 is on the minus strand). VCF-style: chr2-181678307-G-A. GRCh37 (hg19) VCF-style: chr2-182543034-G-A.
Other names: short protein forms A185V.
Identifiers: ClinVar variation 3009610 (VCV003009610.4), dbSNP rs375030401, ClinGen allele CA2011116.

ClinVar aggregate classification (germline): Uncertain significance. Review status: criteria provided, multiple submitters, no conflicts (2 of 4 stars). 2 submissions from 2 submitters: Uncertain significance (2). Last evaluated 2025-06-03.

Conditions:
Type 2 diabetes mellitus. Also called: Type II diabetes mellitus. Identifiers: MedGen C0011860, MeSH D003924, MONDO:0005148, OMIM 125853, HP:0005978.
Maturity-onset diabetes of the young type 6 (MODY6). Identifiers: Orphanet 552, MedGen C1853371, MONDO:0011668, OMIM 606394.

Allele frequency attached by ClinVar (database versions not stated): gnomAD 0.00001; TOPMed 0.00001; ExAC 0.00002; ESP Exome Variant Server 0.00008.
gnomAD v4.1: 16 of 1,613,956 alleles (0.00099%); highest among the groups gnomAD compares: African/African-American, 0.0027%; no homozygotes.

Submissions (2):

Labcorp Genetics (formerly Invitae), Labcorp
Classification: Uncertain significance. Last evaluated: 2025-06-03. Review status: criteria provided, single submitter. Criteria: Invitae Variant Classification Sherloc (09022015). Collection method: clinical testing. Allele origin: germline.
Comment: This sequence change replaces alanine, which is neutral and non-polar, with valine, which is neutral and non-polar, at codon 185 of the NEUROD1 protein (p.Ala185Val). This variant is present in population databases (rs375030401, gnomAD 0.003%). This variant has not been reported in the literature in individuals affected with NEUROD1-related conditions. ClinVar contains an entry for this variant (Variation ID: 3009610). Invitae Evidence Modeling of protein sequence and biophysical properties (such as structural, functional, and spatial information, amino acid conservation, physicochemical variation, residue mobility, and thermodynamic stability) indicates that this missense variant is expected to disrupt NEUROD1 protein function with a positive predictive value of 80%. In summary, the available evidence is currently insufficient to determine the role of this variant in disease. Therefore, it has been classified as a Variant of Uncertain Significance.

Fulgent Genetics
Classification: Uncertain significance for Type 2 diabetes mellitus; Maturity-onset diabetes of the young type 6. Last evaluated: 2024-06-18. Review status: criteria provided, single submitter. Criteria: ACMG Guidelines, 2015. Collection method: clinical testing. Allele origin: germline.